The following is an entry in ClinVar:

ClinVar aggregate classification (germline): Uncertain significance (1 of 4 stars; one submission).

Conditions:
Congenital disorder of deglycosylation (CDDG). Identifiers: MedGen C3808991, MONDO:0031376.

Submission:

Labcorp Genetics (formerly Invitae), Labcorp
Classification: Uncertain significance for Congenital disorder of deglycosylation. Last evaluated: 2022-05-12. Review status: criteria provided, single submitter. Criteria: Invitae Variant Classification Sherloc (09022015). Collection method: clinical testing. Allele origin: germline.
Comment: This variant is not present in population databases (gnomAD no frequency). This sequence change replaces lysine, which is basic and polar, with threonine, which is neutral and polar, at codon 50 of the NGLY1 protein (p.Lys50Thr). In summary, the available evidence is currently insufficient to determine the role of this variant in disease. Therefore, it has been classified as a Variant of Uncertain Significance. Algorithms developed to predict the effect of missense changes on protein structure and function are either unavailable or do not agree on the potential impact of this missense change (SIFT: "Tolerated"; PolyPhen-2: "Probably Damaging"; Align-GVGD: "Class C0"). This variant has not been reported in the literature in individuals affected with NGLY1-related conditions.

NM_018297.4(NGLY1):c.149A>C (p.Lys50Thr)

Gene: NGLY1 (N-glycanase 1; minus strand). Cytogenetic location: 3p24.2.
Variant type: single nucleotide variant.
Coding change: c.149A>C on transcript NM_018297.4 (MANE Select); coding-DNA position 149, A replaced by C.
Protein change: p.Lys50Thr; replaces lysine 50 with threonine.
Molecular consequence: missense variant.
Genome position (GRCh38, 1-based): chr3:25,778,671, T>G on the plus strand (A>C on the coding strand, the complement: NGLY1 is on the minus strand). VCF-style: chr3-25778671-T-G. GRCh37 (hg19) VCF-style: chr3-25820162-T-G.
Other names: c.149A>C, p.Lys50Thr (NM_001145293.2, NM_001145295.2); c.23A>C, p.Lys8Thr (NM_001145294.2); short protein forms K8T, K50T.
Identifiers: ClinVar variation 1993221 (VCV001993221.4), dbSNP rs1167520078, ClinGen allele CA351911118.